The following is an entry in ClinVar:

ClinVar aggregate classification (germline): Uncertain significance (1 of 4 stars; one submission).

Conditions:
Autosomal recessive limb-girdle muscular dystrophy type 2J (LGMDR10). Also called: Limb-girdle muscular dystrophy, type 2J; MUSCULAR DYSTROPHY, LIMB-GIRDLE, AUTOSOMAL RECESSIVE 10. Identifiers: Orphanet 140922, MedGen C1837342, MONDO:0012127, OMIM 608807.
Dilated cardiomyopathy 1G (CMD1G). Identifiers: Orphanet 154, MedGen C1858763, MONDO:0011400, OMIM 604145.

Submission:

Labcorp Genetics (formerly Invitae), Labcorp
Classification: Uncertain significance for Dilated cardiomyopathy 1G; Autosomal recessive limb-girdle muscular dystrophy type 2J. Last evaluated: 2025-08-03. Review status: criteria provided, single submitter. Criteria: Invitae Variant Classification Sherloc (09022015). Collection method: clinical testing. Allele origin: germline.
Comment: This sequence change replaces cysteine, which is neutral and slightly polar, with arginine, which is basic and polar, at codon 34955 of the TTN protein (p.Cys34955Arg). This variant is not present in population databases (gnomAD no frequency). This variant has not been reported in the literature in individuals affected with TTN-related conditions. ClinVar contains an entry for this variant (Variation ID: 3752063). Experimental studies and prediction algorithms are not available or were not evaluated, and the functional significance of this variant is currently unknown. This variant is located in the M band of TTN (PMID: 25589632). Non-truncating variants in this region may be relevant for neuromuscular disorders, but have not been definitively shown to cause cardiomyopathy (PMID: 23975875). In summary, the available evidence is currently insufficient to determine the role of this variant in disease. Therefore, it has been classified as a Variant of Uncertain Significance.

Literature cited by the submitters: PubMed 25589632; PubMed 23975875.

NM_001267550.2(TTN):c.104863T>C (p.Cys34955Arg)

Genes: TTN (titin; minus strand), TTN-AS1 (TTN antisense RNA 1; plus strand). Cytogenetic location: 2q31.2.
Variant type: single nucleotide variant.
Coding change: c.104863T>C on transcript NM_001267550.2 (MANE Select); coding-DNA position 104863, T replaced by C.
Protein change: p.Cys34955Arg; replaces cysteine 34955 with arginine.
Molecular consequence: missense variant.
Genome position (GRCh38, 1-based): chr2:178,531,752, A>G on the plus strand (T>C on the coding strand, the complement: TTN is on the minus strand). VCF-style: chr2-178531752-A-G. GRCh37 (hg19) VCF-style: chr2-179396479-A-G.
Other names: c.99940T>C, p.Cys33314Arg (NM_001256850.1); c.77668T>C, p.Cys25890Arg (NM_003319.4); c.97159T>C, p.Cys32387Arg (NM_133378.4); c.78043T>C, p.Cys26015Arg (NM_133432.3); c.78244T>C, p.Cys26082Arg (NM_133437.4); short protein forms C25890R, C26015R, C26082R, C32387R, C33314R, C34955R.
Identifiers: ClinVar variation 3752063 (VCV003752063.2).
Genomic context (GRCh38, chr2:178,531,752, plus strand): 5'-ATTTAACCTCGGCAGTTGGCTTAGACTGAACATTTAAAATAAAACGTGTATTTTGGCCAC[A>G]TGGTACCCTGTGCGAGCGCATTCTCAGTGTGATTCGAGGGGCATGGTCCAGTGTGAAAGG-3'
Protein context (NP_001254479.2, residues 34945-34965): TLRMRSHRVP[Cys34955Arg]GQNTRFILNV